The following is an entry in ClinVar:

NM_000199.5(SGSH):c.1301C>T (p.Ala434Val)

Gene: SGSH (N-sulfoglucosamine sulfohydrolase; minus strand). Cytogenetic location: 17q25.3.
Variant type: single nucleotide variant.
Coding change: c.1301C>T on transcript NM_000199.5 (MANE Select); coding-DNA position 1301, C replaced by T.
Protein change: p.Ala434Val; replaces alanine 434 with valine.
Molecular consequence: missense variant. On other transcripts: 3 prime UTR variant (2), non-coding transcript variant (1).
Genome position (GRCh38, 1-based): chr17:80,210,660, G>A on the plus strand (C>T on the coding strand, the complement: SGSH is on the minus strand). VCF-style: chr17-80210660-G-A. GRCh37 (hg19) VCF-style: chr17-78184459-G-A.
Other names: p.Ala434Val; c.*388C>T (NM_001352921.3); c.*351C>T (NM_001352922.2); short protein forms A434V.
Identifiers: ClinVar variation 559102 (VCV000559102.16), dbSNP rs76375023, ClinGen allele CA8817621.

ClinVar aggregate classification (germline): Uncertain significance. Review status: criteria provided, multiple submitters, no conflicts (2 of 4 stars). 6 submissions from 6 submitters: Uncertain significance (5). 1 of the submissions does not count toward it. Last evaluated 2024-08-29.

Conditions:
Mucopolysaccharidosis, MPS-III-A (MPS3A). Also called: Mucopolysaccharidosis, type IIIA; MPS IIIA (Sanfilippo Syndrome Type A); MPS III A; SANFILIPPO SYNDROME A; SULFAMIDASE DEFICIENCY; Mucopolysaccharidosis type IIIA (Sanfilippo A). Identifiers: Orphanet 581, Orphanet 79269, MedGen C0086647, MONDO:0009655, OMIM 252900.
Inborn genetic diseases. Identifiers: MedGen C0950123, MeSH D030342.

Allele frequency attached by ClinVar (database versions not stated): 1000 Genomes Project 30x 0.00047; gnomAD exomes 0.00006 and 0.00002; ExAC 0.00007; TOPMed 0.00007; 1000 Genomes Project 0.00040.
gnomAD v4.1: 43 of 1,613,912 alleles (0.0027%); highest among the groups gnomAD compares: African/African-American, 0.031%; no homozygotes.

Submissions (6):

Labcorp Genetics (formerly Invitae), Labcorp
Classification: Uncertain significance for Mucopolysaccharidosis, MPS-III-A. Last evaluated: 2024-08-29. Review status: criteria provided, single submitter. Criteria: Invitae Variant Classification Sherloc (09022015). Collection method: clinical testing. Allele origin: germline.
Comment: This sequence change replaces alanine, which is neutral and non-polar, with valine, which is neutral and non-polar, at codon 434 of the SGSH protein (p.Ala434Val). This variant is present in population databases (rs76375023, gnomAD 0.04%). This variant has not been reported in the literature in individuals affected with SGSH-related conditions. ClinVar contains an entry for this variant (Variation ID: 559102). Invitae Evidence Modeling of protein sequence and biophysical properties (such as structural, functional, and spatial information, amino acid conservation, physicochemical variation, residue mobility, and thermodynamic stability) has been performed for this missense variant. However, the output from this modeling did not meet the statistical confidence thresholds required to predict the impact of this variant on SGSH protein function. In summary, the available evidence is currently insufficient to determine the role of this variant in disease. Therefore, it has been classified as a Variant of Uncertain Significance.

GeneDx
Classification: Uncertain significance. Last evaluated: 2022-04-25. Review status: criteria provided, single submitter. Criteria: GeneDx Variant Classification Process June 2021. Collection method: clinical testing. Allele origin: germline. Affected: yes.
Comment: In silico analysis supports that this missense variant does not alter protein structure/function; Has not been previously published as pathogenic or benign to our knowledge

Mayo Clinic Laboratories, Mayo Clinic
Classification: Uncertain significance. Last evaluated: 2022-02-25. Review status: criteria provided, single submitter. Criteria: ACMG Guidelines, 2015. Collection method: clinical testing. Allele origin: germline. Observed: 1 variant allele.
Comment: BP4, PM2

Genome-Nilou Lab
Classification: Uncertain significance for Mucopolysaccharidosis, MPS-III-A. Last evaluated: 2021-11-07. Review status: criteria provided, single submitter. Criteria: ACMG Guidelines, 2015. Collection method: clinical testing. Allele origin: germline. Affected: no.

Ambry Genetics
Classification: Uncertain significance for Inborn genetic diseases. Last evaluated: 2021-08-11. Review status: criteria provided, single submitter. Criteria: Ambry Variant Classification Scheme 2023. Collection method: clinical testing. Allele origin: germline.

Natera, Inc.
Classification: Uncertain significance for Mucopolysaccharidosis type IIIA. Last evaluated: 2020-01-17. Review status: no assertion criteria provided. Collection method: clinical testing. Allele origin: germline. Not counted in ClinVar's aggregate classification.